The following is an entry in ClinVar:

NM_020822.3(KCNT1):c.2349+269C>T

Gene: KCNT1 (potassium sodium-activated channel subfamily T member 1; plus strand). Cytogenetic location: 9q34.3.
Variant type: single nucleotide variant.
Coding change: c.2349+269C>T on transcript NM_020822.3 (MANE Select); 269 bases into the intron after coding-DNA position 2349, C replaced by T.
Molecular consequence: intron variant.
Genome position (GRCh38, 1-based): chr9:135,775,684, C>T. VCF-style: chr9-135775684-C-T. GRCh37 (hg19) VCF-style: chr9-138667530-C-T.
Other names: c.2214+269C>T (NM_001272003.2).
Identifiers: ClinVar variation 669721 (VCV000669721.1), dbSNP rs76125418, ClinGen allele CA201476273.
Genomic context (GRCh38, chr9:135,775,684, plus strand): 5'-CACAGTGTCTATGTTAGAGGCACCTGTTTTCTGAGCCATCTTGAGAACAGGTTGGAGCCA[C>T]CACACCCCTTTCCCCTAATACATCTACATGCGTTCCCAAAGATCAAGAACCATCTCGTAA-3'

ClinVar aggregate classification (germline): Benign (1 of 4 stars; one submission).

Allele frequency attached by ClinVar (database versions not stated): gnomAD 0.02115 and 0.02254; 1000 Genomes Project 30x 0.02171; 1000 Genomes Project 0.02177; TOPMed 0.02348.
gnomAD v4.1: 3,181 of 152,276 alleles (2.1%); highest among the groups gnomAD compares: African/African-American, 7.2%; 115 homozygotes.

Submission:

GeneDx
Classification: Benign. Last evaluated: 2018-06-14. Review status: criteria provided, single submitter. Criteria: GeneDx Variant Classification (06012015). Collection method: clinical testing. Allele origin: germline. Affected: yes.
Comment: This variant is considered likely benign or benign based on one or more of the following criteria: it is a conservative change, it occurs at a poorly conserved position in the protein, it is predicted to be benign by multiple in silico algorithms, and/or has population frequency not consistent with disease.